The following is an entry in ClinVar:

ClinVar aggregate classification (germline): Pathogenic (1 of 4 stars; one submission).

Submission:

Labcorp Genetics (formerly Invitae), Labcorp
Classification: Pathogenic. Last evaluated: 2024-11-18. Review status: criteria provided, single submitter. Criteria: Invitae Variant Classification Sherloc (09022015). Collection method: clinical testing. Allele origin: germline.
Comment: This sequence change creates a premature translational stop signal (p.His5978Ilefs*16) in the ADGRV1 gene. It is expected to result in an absent or disrupted protein product. Loss-of-function variants in ADGRV1 are known to be pathogenic (PMID: 19357117, 22135276, 22147658, 26226137, 30718709, 31047384, 32467589). This variant is not present in population databases (gnomAD no frequency). This variant has not been reported in the literature in individuals affected with ADGRV1-related conditions. ClinVar contains an entry for this variant (Variation ID: 2708449). For these reasons, this variant has been classified as Pathogenic.

Literature cited by the submitters: PubMed 19357117; PubMed 22135276; PubMed 22147658; PubMed 26226137; PubMed 30718709; PubMed 31047384; PubMed 32467589.

NM_032119.4(ADGRV1):c.17931del (p.His5978fs)

Gene: ADGRV1 (adhesion G protein-coupled receptor V1; plus strand). Cytogenetic location: 5q14.3.
Variant type: Deletion.
Coding change: c.17931del on transcript NM_032119.4 (MANE Select); coding-DNA position 17931, one base deleted (A; older notation c.17931delA).
Protein change: p.His5978fs; shifts the reading frame from histidine 5978.
Molecular consequence: frameshift variant. On other transcripts: non-coding transcript variant (1).
Genome position (GRCh38, 1-based): chr5:90,965,489, A deleted. VCF-style (leftmost placement, unchanged base first): chr5-90965488-CA-C. GRCh37 (hg19) VCF-style: chr5-90261305-CA-C.
Other names: short protein forms H5978fs.
Identifiers: ClinVar variation 2708449 (VCV002708449.3), dbSNP rs2531503998, ClinGen allele CA2697546369.
Genomic context (GRCh38, chr5:90,965,488, plus strand): 5'-CGTCTGCATACGCAAGTCCCCAACTCGCTGAGGAGAGCTGTTCAGCTATGGCTGCTGTCA[CA>C]CATTACCTGTATCTTTGCCAGTTTAGCTGGATGCTCATTCAGGTTGGTACCTCATTCCCT-3'